The following is an entry in ClinVar:

ClinVar aggregate classification (germline): Pathogenic (1 of 4 stars; one submission).

Conditions:
Charcot-Marie-Tooth disease axonal type 2V. Also called: CHARCOT-MARIE-TOOTH NEUROPATHY, TYPE 2V; CHARCOT-MARIE-TOOTH DISEASE, AXONAL, AUTOSOMAL DOMINANT, TYPE 2V. Identifiers: Orphanet 447964, MedGen C5569050, MONDO:0014665, OMIM 616491.
Mucopolysaccharidosis, MPS-III-B (MPS3B). Also called: MPS III B; Mucopolysaccharidosis type IIIB (Sanfilippo B); N-ACETYL-ALPHA-D-GLUCOSAMINIDASE DEFICIENCY; NAGLU DEFICIENCY; SANFILIPPO SYNDROME B; MUCOPOLYSACCHARIDOSIS, TYPE IIIB. Identifiers: Orphanet 79270, MedGen C0086648, MONDO:0009656, OMIM 252920.

Submission:

Labcorp Genetics (formerly Invitae), Labcorp
Classification: Pathogenic for Charcot-Marie-Tooth disease axonal type 2V; Mucopolysaccharidosis, MPS-III-B. Last evaluated: 2023-08-04. Review status: criteria provided, single submitter. Criteria: Invitae Variant Classification Sherloc (09022015). Collection method: clinical testing. Allele origin: germline.
Comment: This sequence change creates a premature translational stop signal (p.Arg152*) in the NAGLU gene. It is expected to result in an absent or disrupted protein product. Loss-of-function variants in NAGLU are known to be pathogenic (PMID: 9832037, 10094189, 16151907). This variant is not present in population databases (gnomAD no frequency). This variant has not been reported in the literature in individuals affected with NAGLU-related conditions. ClinVar contains an entry for this variant (Variation ID: 1070682). Algorithms developed to predict the effect of sequence changes on RNA splicing suggest that this variant may disrupt the consensus splice site. For these reasons, this variant has been classified as Pathogenic.

Literature cited by the submitters: PubMed 9832037; PubMed 10094189; PubMed 16151907.

NM_000263.4(NAGLU):c.454C>T (p.Arg152Ter)

Gene: NAGLU (N-acetyl-alpha-glucosaminidase; plus strand). Cytogenetic location: 17q21.2.
Variant type: single nucleotide variant.
Coding change: c.454C>T on transcript NM_000263.4 (MANE Select); coding-DNA position 454, C replaced by T.
Protein change: p.Arg152Ter; replaces arginine 152 with a stop codon.
Molecular consequence: nonsense.
Genome position (GRCh38, 1-based): chr17:42,537,468, C>T. VCF-style: chr17-42537468-C-T. GRCh37 (hg19) VCF-style: chr17-40689486-C-T.
Other names: short protein forms R152*.
Identifiers: ClinVar variation 1070682 (VCV001070682.7), dbSNP rs1261241939, ClinGen allele CA399598142.